The following is an entry in ClinVar:

NM_021160.3(ABHD16A):c.1070G>C (p.Gly357Ala)

Gene: ABHD16A (abhydrolase domain containing 16A, phospholipase; minus strand). Cytogenetic location: 6p21.33.
Variant type: single nucleotide variant.
Coding change: c.1070G>C on transcript NM_021160.3 (MANE Select); coding-DNA position 1070, G replaced by C.
Protein change: p.Gly357Ala; replaces glycine 357 with alanine.
Molecular consequence: missense variant. On other transcripts: non-coding transcript variant (2).
Genome position (GRCh38, 1-based): chr6:31,689,592, C>G on the plus strand (G>C on the coding strand, the complement: ABHD16A is on the minus strand). VCF-style: chr6-31689592-C-G. GRCh37 (hg19) VCF-style: chr6-31657369-C-G.
Other names: c.971G>C, p.Gly324Ala (NM_001177515.2); short protein forms G324A, G357A.
Identifiers: ClinVar variation 4855589 (VCV004855589.1).

ClinVar aggregate classification (germline): Uncertain significance (1 of 4 stars; one submission).

Conditions:
Spastic paraplegia 86, autosomal recessive (SPG86). Identifiers: Orphanet 631085, MedGen C5676910, MONDO:0030673, OMIM 619735.

gnomAD v4.1: 1 of 1,600,450 alleles (0.000062%); highest among the groups gnomAD compares: Admixed American, 0.0017%; no homozygotes.

Submission:

3billion
Classification: Uncertain significance for Spastic paraplegia 86, autosomal recessive. Last evaluated: 2026-01-28. Review status: criteria provided, single submitter. Criteria: ACMG Guidelines, 2015. Collection method: clinical testing. Allele origin: germline. Affected: yes.
Comment: The variant is observed at an extremely low frequency in the gnomAD v4.1.0 dataset (total allele frequency: <0.001%). Predicted Consequence/Location: Missense variant In silico tool predictions suggest damaging effect of the variant on gene or gene product [REVEL: 0.81 (>=0.6, sensitivity 0.68 and specificity 0.92)]. Therefore, this variant is classified as VUS according to the recommendation of ACMG/AMP guideline.